The following is an entry in ClinVar:

ClinVar aggregate classification (germline): Uncertain significance (1 of 4 stars; one submission).

Conditions:
Autosomal recessive severe congenital neutropenia due to CSF3R deficiency. Also called: Neutropenia, severe congenital, 7, autosomal recessive. Identifiers: Orphanet 420702, MedGen C4310764, MONDO:0014865, OMIM 617014.

Submission:

Labcorp Genetics (formerly Invitae), Labcorp
Classification: Uncertain significance for Autosomal recessive severe congenital neutropenia due to CSF3R deficiency. Last evaluated: 2022-06-13. Review status: criteria provided, single submitter. Criteria: Invitae Variant Classification Sherloc (09022015). Collection method: clinical testing. Allele origin: germline.
Comment: In summary, the available evidence is currently insufficient to determine the role of this variant in disease. Therefore, it has been classified as a Variant of Uncertain Significance. Algorithms developed to predict the effect of missense changes on protein structure and function are either unavailable or do not agree on the potential impact of this missense change (SIFT: "Deleterious"; PolyPhen-2: "Benign"; Align-GVGD: "Class C0"). This variant has not been reported in the literature in individuals affected with CSF3R-related conditions. This variant is not present in population databases (gnomAD no frequency). This sequence change replaces asparagine, which is neutral and polar, with histidine, which is basic and polar, at codon 263 of the CSF3R protein (p.Asn263His).

NM_000760.4(CSF3R):c.787A>C (p.Asn263His)

Gene: CSF3R (colony stimulating factor 3 receptor; minus strand). Cytogenetic location: 1p34.3.
Variant type: single nucleotide variant.
Coding change: c.787A>C on transcript NM_000760.4 (MANE Select); coding-DNA position 787, A replaced by C.
Protein change: p.Asn263His; replaces asparagine 263 with histidine.
Molecular consequence: missense variant.
Genome position (GRCh38, 1-based): chr1:36,472,573, T>G on the plus strand (A>C on the coding strand, the complement: CSF3R is on the minus strand). VCF-style: chr1-36472573-T-G. GRCh37 (hg19) VCF-style: chr1-36938174-T-G.
Other names: c.787A>C, p.Asn263His (NM_156039.3, NM_172313.3); short protein forms N263H.
Identifiers: ClinVar variation 1523294 (VCV001523294.8), dbSNP rs2124124079, ClinGen allele CA339422855.